The following is an entry in ClinVar:

ClinVar aggregate classification (germline): Likely pathogenic (1 of 4 stars; one submission).

Conditions:
Joubert syndrome 17 (JBTS17). Identifiers: Orphanet 475, MedGen C3553264, MONDO:0013824, OMIM 614615.

Submission:

Neuberg Centre For Genomic Medicine, NCGM
Classification: Likely pathogenic for Joubert syndrome 17. Review status: criteria provided, single submitter. Criteria: ACMG Guidelines, 2015. Collection method: clinical testing. Allele origin: germline. Affected: yes.
Comment: The splice donor variant c.834+1G>A in C5orf42 (NM_001384732.1) has not been reported previously as a pathogenic variant nor as a benign variant, to our knowledge. The c.834+1G>A variant is novel (not in any individuals) in gnomAD Exomes and is novel (not in any individuals) in 1000 Genomes. This variant affects an invariant splice site and is predicted to cause protein truncation. Loss of function variants have been reported previously to be disease causing. For these reasons, this variant has been classified as Likely Pathogenic. The variant is present at depth of 71% and hence zygosity will be confirmed by follow up Sanger analysis.

NM_001384732.1(CPLANE1):c.834+1G>A

Gene: CPLANE1 (ciliogenesis and planar polarity effector complex subunit 1; minus strand). Cytogenetic location: 5p13.2.
Variant type: single nucleotide variant.
Coding change: c.834+1G>A on transcript NM_001384732.1 (MANE Select); the canonical splice donor site of the intron after coding-DNA position 834, G replaced by A.
Molecular consequence: splice donor variant.
Genome position (GRCh38, 1-based): chr5:37,239,712, C>T on the plus strand (G>A on the coding strand, the complement: CPLANE1 is on the minus strand). VCF-style: chr5-37239712-C-T. GRCh37 (hg19) VCF-style: chr5-37239814-C-T.
Other names: c.834+1G>A (NM_023073.4).
Identifiers: ClinVar variation 1339251 (VCV001339251.2), dbSNP rs1581014582, ClinGen allele CA359515418.